The following is an entry in ClinVar:

ClinVar aggregate classification (germline): Pathogenic (1 of 4 stars; one submission).

Conditions:
Familial adenomatous polyposis 1 (FAP1). Also called: POLYPOSIS, ADENOMATOUS INTESTINAL; FAMILIAL ADENOMATOUS POLYPOSIS 1, ATTENUATED. Identifiers: MedGen C2713442, MONDO:0021056, OMIM 175100. Disease mechanism: loss of function.

Submission:

Labcorp Genetics (formerly Invitae), Labcorp
Classification: Pathogenic for Familial adenomatous polyposis 1. Last evaluated: 2024-09-23. Review status: criteria provided, single submitter. Criteria: Invitae Variant Classification Sherloc (09022015). Collection method: clinical testing. Allele origin: germline.
Comment: This sequence change creates a premature translational stop signal (p.Lys1704*) in the APC gene. While this is not anticipated to result in nonsense mediated decay, it is expected to disrupt the last 1140 amino acid(s) of the APC protein. This variant is not present in population databases (gnomAD no frequency). This variant has not been reported in the literature in individuals affected with APC-related conditions. ClinVar contains an entry for this variant (Variation ID: 2038624). This variant is expected to disrupt the EB1 and HDLG binding sites, which mediate interactions with the cytoskeleton (PMID: 15311282, 17293347). While functional studies have not been performed to directly test the effect on APC protein function, this suggests that disruption of the C-terminal portion of the protein is functionally important. A different truncation (p.Tyr2645Lysfs*14) that lies downstream of this variant has been determined to be pathogenic (PMID: 9824584, 1316610, 27081525, 8381579, 22135120, internal data). This suggests that deletion of this region of the APC protein is causative of disease. For these reasons, this variant has been classified as Pathogenic.

Literature cited by the submitters: PubMed 15311282; PubMed 17293347; PubMed 9824584; PubMed 1316610; PubMed 27081525; PubMed 8381579; PubMed 22135120.

NM_000038.6(APC):c.5110A>T (p.Lys1704Ter)

Gene: APC (APC regulator of Wnt signaling pathway; plus strand). Cytogenetic location: 5q22.2.
Variant type: single nucleotide variant.
Coding change: c.5110A>T on transcript NM_000038.6 (MANE Select); coding-DNA position 5110, A replaced by T.
Protein change: p.Lys1704Ter; replaces lysine 1704 with a stop codon.
Molecular consequence: nonsense.
Genome position (GRCh38, 1-based): chr5:112,840,704, A>T. VCF-style: chr5-112840704-A-T. GRCh37 (hg19) VCF-style: chr5-112176401-A-T.
Other names: c.5110A>T, p.Lys1704Ter (NM_001127510.3, NM_001354895.2, NM_001407450.1); c.5056A>T, p.Lys1686Ter (NM_001127511.3); c.5164A>T, p.Lys1722Ter (NM_001354896.2, NM_001407447.1, NM_001407448.1 and 1 more transcripts); c.5140A>T, p.Lys1714Ter (NM_001354897.2); c.5035A>T, p.Lys1679Ter (NM_001354898.2); c.5026A>T, p.Lys1676Ter (NM_001354899.2); c.4987A>T, p.Lys1663Ter (NM_001354900.2); c.4933A>T, p.Lys1645Ter (NM_001354901.2, NM_001407453.1); and 11 more; short protein forms K1613*, K1621*, K1676*, K1704*, K1320*, K1421*, K1575*, K1697*.
Identifiers: ClinVar variation 2038624 (VCV002038624.4), dbSNP rs2149932254, ClinGen allele CA16032501.
Genomic context (GRCh38, chr5:112,840,704, plus strand): 5'-TTTGAAAAACGAGATACCATTCCTACAGAAGGCAGAAGTACAGATGAGGCTCAAGGAGGA[A>T]AAACCTCATCTGTAACCATACCTGAATTGGATGACAATAAAGCAGAGGAAGGTGATATTC-3'